The following is an entry in ClinVar:

NM_000334.4(SCN4A):c.2937G>A (p.Glu979=)

Genes: GH-LCR (growth hormone locus control region; plus strand), SCN4A (sodium voltage-gated channel alpha subunit 4; minus strand). Cytogenetic location: 17q23.3.
Variant type: single nucleotide variant.
Coding change: c.2937G>A on transcript NM_000334.4 (MANE Select); coding-DNA position 2937, G replaced by A.
Protein change: p.Glu979=; no amino-acid change (glutamic acid 979 retained).
Molecular consequence: synonymous variant.
Genome position (GRCh38, 1-based): chr17:63,949,445, C>T on the plus strand (G>A on the coding strand, the complement: SCN4A is on the minus strand). VCF-style: chr17-63949445-C-T. GRCh37 (hg19) VCF-style: chr17-62026805-C-T.
Identifiers: ClinVar variation 1947105 (VCV001947105.7), dbSNP rs763022938, ClinGen allele CA8709446.
Genomic context (GRCh38, chr17:63,949,445, plus strand): 5'-GCCCTCACCCTCAGTGAAGCACTCCTCAGGCTGCTCCCCCTCGGGGTTCTCCTCTGCCTG[C>T]TCCTCAGGGTCCTCCTCGGGGGGCTTGTAGTCAGCTGTGCTGCAGACGGACGAGTTCCCA-3'
Protein context (NP_000325.4, residues 969-989): DYKPPEEDPE[Glu979=]QAEENPEGEQ

ClinVar aggregate classification (germline): Conflicting classifications of pathogenicity. Review status: criteria provided, conflicting classifications (1 of 4 stars). 3 submissions from 3 submitters: Uncertain significance (1); Likely benign (2). Last evaluated 2026-09-01.

Conditions:
Hyperkalemic periodic paralysis. Also called: Familial hyperkalemic periodic paralysis; Gamstorp disease. Identifiers: Orphanet 682, MedGen C0238357, MONDO:0008224, OMIM 170500, HP:0007215.

Allele frequency attached by ClinVar (database versions not stated): ExAC 0.00002.
gnomAD v4.1: 9 of 1,607,738 alleles (0.00056%); highest among the groups gnomAD compares: South Asian, 0.0078%; no homozygotes.

Submissions (3):

CeGaT Center for Human Genetics Tuebingen
Classification: Likely benign. Last evaluated: 2026-09-01. Review status: criteria provided, single submitter. Criteria: CeGaT Center For Human Genetics Tuebingen Variant Classification Criteria Version 2. Collection method: clinical testing. Allele origin: germline. Affected: yes. Observed: 1 variant allele.
Comment: SCN4A: BP4, BP7

Revvity Omics, Revvity
Classification: Uncertain significance. Last evaluated: 2025-04-04. Review status: criteria provided, single submitter. Criteria: ACMG Guidelines, 2015. Collection method: clinical testing. Allele origin: germline.

Labcorp Genetics (formerly Invitae), Labcorp
Classification: Likely benign for Hyperkalemic periodic paralysis. Last evaluated: 2022-03-29. Review status: criteria provided, single submitter. Criteria: Invitae Variant Classification Sherloc (09022015). Collection method: clinical testing. Allele origin: germline.